The following is an entry in ClinVar:

ClinVar aggregate classification (germline): Conflicting classifications of pathogenicity. Review status: criteria provided, conflicting classifications (1 of 4 stars). 5 submissions from 5 submitters: Uncertain significance (2); Likely benign (1). 2 of the submissions do not count toward it. Last evaluated 2024-04-20.

Conditions:
Hereditary cancer-predisposing syndrome. Also called: Tumor predisposition; Hereditary Cancer Syndrome; Neoplastic Syndromes, Hereditary; Hereditary neoplastic syndrome. Identifiers: Orphanet 140162, MedGen C0027672, MeSH D009386, MONDO:0015356.
Breast-ovarian cancer, familial, susceptibility to, 2 (BROVCA2). Also called: BRCA2 Hereditary Breast and Ovarian Cancer. Identifiers: Orphanet 145, MedGen C2675520, MONDO:0012933, OMIM 612555. Disease mechanism: loss of function.
Malignant tumor of breast. Also called: Malignant breast neoplasm; Cancer breast. Identifiers: MedGen C0006142, MONDO:0007254. Disease mechanism: loss of function.

Allele frequency attached by ClinVar (database versions not stated): gnomAD exomes below 0.00001.
gnomAD v4.1: 1 of 1,613,996 alleles (0.000062%); highest among the groups gnomAD compares: Non-Finnish European, 0.000085%; no homozygotes.

Submissions (5):

Ambry Genetics
Classification: Uncertain significance for Hereditary cancer-predisposing syndrome. Last evaluated: 2024-04-20. Review status: criteria provided, single submitter. Criteria: Ambry Variant Classification Scheme 2023. Collection method: clinical testing. Allele origin: germline.
Comment: The p.Q1998R variant (also known as c.5993A>G), located in coding exon 10 of the BRCA2 gene, results from an A to G substitution at nucleotide position 5993. The glutamine at codon 1998 is replaced by arginine, an amino acid with highly similar properties. This variant was reported in 0/60,466 breast cancer cases and in 1/53,461 controls (Dorling et al. N Engl J Med. 2021 02;384:428-439). This amino acid position is not well conserved in available vertebrate species. In addition, the in silico prediction for this alteration is inconclusive. Since supporting evidence is limited at this time, the clinical significance of this alteration remains unclear.

University of Washington Department of Laboratory Medicine, University of Washington
Classification: Likely benign for Hereditary cancer-predisposing syndrome. Last evaluated: 2023-03-23. Review status: criteria provided, single submitter. Criteria: Dines et al. (Genet Med. 2020). Collection method: curation. Allele origin: germline.
Comment: Missense variant in a coldspot region where missense variants are very unlikely to be pathogenic (PMID:31911673).

BRCA2 exon 11 coldspot. Reclassification based on statistical prior probability.

Color Diagnostics, LLC DBA Color Health
Classification: Uncertain significance for Hereditary cancer-predisposing syndrome. Last evaluated: 2019-05-04. Review status: criteria provided, single submitter. Criteria: ACMG Guidelines, 2015. Collection method: clinical testing. Allele origin: germline.

Breast Cancer Information Core (BIC) (BRCA2)
Classification: Uncertain significance for Breast-ovarian cancer, familial 2. Last evaluated: 2003-01-24. Review status: no assertion criteria provided. Collection method: clinical testing. Allele origin: germline. Affected: yes. Observed: 1 variant allele. Not counted in ClinVar's aggregate classification.

Department of Pathology and Laboratory Medicine, Sinai Health System
Classification: Uncertain significance for Malignant tumor of breast. Review status: no assertion criteria provided. Collection method: clinical testing. Allele origin: unknown. Affected: yes. Observed: 1 variant allele. Study: The Canadian Open Genetics Repository (COGR). Not counted in ClinVar's aggregate classification.
Comment: The p.Gln1998Arg variant was not identified in the literature. The variant was identified in dbSNP (ID: rs80358835 ) â€šÃ„ÃºWith uncertain significance alleleâ€šÃ„Ã¹, the ClinVar database 1X (classified as an uncertain significance variant), the BIC database (1X with unknown clinical importance), and UMD (1X as an unknown variant). The p.Gln1998 residue is not conserved in mammals and 4 out of 5 computational analyses (SIFT, AlignGVGD, BLOSUM, MutationTaster, Polyphen-2) do not suggest a high likelihood of impact to the protein. However, this information is not predictive enough to rule out pathogenicity. In summary, based on the above information, the clinical significance of this variant cannot be determined with certainty at this time. This variant is classified as a variant of unknown significance.

Literature cited by the submitters: PubMed 33471991 (cited by Ambry Genetics).

NM_000059.4(BRCA2):c.5993A>G (p.Gln1998Arg)

Gene: BRCA2 (BRCA2 DNA repair associated; plus strand). Cytogenetic location: 13q13.1.
Variant type: single nucleotide variant.
Coding change: c.5993A>G on transcript NM_000059.4 (MANE Select); coding-DNA position 5993, A replaced by G.
Protein change: p.Gln1998Arg; replaces glutamine 1998 with arginine.
Molecular consequence: missense variant.
Genome position (GRCh38, 1-based): chr13:32,340,348, A>G. VCF-style: chr13-32340348-A-G. GRCh37 (hg19) VCF-style: chr13-32914485-A-G.
Other names: Q1999R; short protein forms Q1998R.
Identifiers: ClinVar variation 126087 (VCV000126087.12), dbSNP rs80358835, ClinGen allele CA023479.
Genomic context (GRCh38, chr13:32,340,348, plus strand): 5'-TTAGCACAGCAAGTGGAAAATCTGTCCAGGTATCAGATGCTTCATTACAAAACGCAAGAC[A>G]AGTGTTTTCTGAAATAGAAGATAGTACCAAGCAAGTCTTTTCCAAAGTATTGTTTAAAAG-3'
Protein context (NP_000050.3, residues 1988-2008): VSDASLQNAR[Gln1998Arg]VFSEIEDSTK